The following is an entry in ClinVar:

NM_000092.5(COL4A4):c.3230dup (p.Ala1078fs)

Gene: COL4A4 (collagen type IV alpha 4 chain; minus strand). Cytogenetic location: 2q36.3.
Variant type: Duplication.
Coding change: c.3230dup on transcript NM_000092.5 (MANE Select); coding-DNA position 3230, one base duplicated (C; older notation c.3230dupC).
Protein change: p.Ala1078fs; shifts the reading frame from alanine 1078.
Molecular consequence: frameshift variant.
Genome position (GRCh38, 1-based): chr2:227,047,534, G duplicated on the plus strand (C on the coding strand, the reverse complement: COL4A4 is on the minus strand); the first of 3 consecutive G bases (chr2:227,047,534-227,047,536); duplicating any one gives the same sequence. VCF-style (leftmost placement, unchanged base first): chr2-227047533-A-AG. GRCh37 (hg19) VCF-style: chr2-227912249-A-AG.
Other names: short protein forms A1078fs.
Identifiers: ClinVar variation 3632717 (VCV003632717.2).
Genomic context (GRCh38, chr2:227,047,533, plus strand): 5'-ACCTGGACATCCAGGGCTACCTGGCTCACCCTTTGGACCAGGTGGACCAAAGTGACTGGC[A>AG]GGGTCACCTTTGTTTCCTGAAAGGGATAAAATGCATGTGACATTACTTTAGACAATTTAA-3'

ClinVar aggregate classification (germline): Pathogenic (1 of 4 stars; one submission).

Submission:

Labcorp Genetics (formerly Invitae), Labcorp
Classification: Pathogenic. Last evaluated: 2025-08-29. Review status: criteria provided, single submitter. Criteria: Invitae Variant Classification Sherloc (09022015). Collection method: clinical testing. Allele origin: germline.
Comment: This sequence change creates a premature translational stop signal (p.Ala1078Cysfs*12) in the COL4A4 gene. It is expected to result in an absent or disrupted protein product. Loss-of-function variants in COL4A4 are known to be pathogenic (PMID: 21196518, 24854265, 25307543). This variant is not present in population databases (gnomAD no frequency). This variant has not been reported in the literature in individuals affected with COL4A4-related conditions. ClinVar contains an entry for this variant (Variation ID: 3632717). For these reasons, this variant has been classified as Pathogenic.

Literature cited by the submitters: PubMed 21196518; PubMed 24854265; PubMed 25307543.